The following is an entry in ClinVar:

NM_018685.5(ANLN):c.976A>G (p.Lys326Glu)

Gene: ANLN (anillin, actin binding protein; plus strand). Cytogenetic location: 7p14.2.
Variant type: single nucleotide variant.
Coding change: c.976A>G on transcript NM_018685.5 (MANE Select); coding-DNA position 976, A replaced by G.
Protein change: p.Lys326Glu; replaces lysine 326 with glutamic acid.
Molecular consequence: missense variant.
Genome position (GRCh38, 1-based): chr7:36,407,836, A>G. VCF-style: chr7-36407836-A-G. GRCh37 (hg19) VCF-style: chr7-36447445-A-G.
Other names: c.976A>G, p.Lys326Glu (NM_001284301.3, NM_001284302.3); short protein forms K326E.
Identifiers: ClinVar variation 1480543 (VCV001480543.8), dbSNP rs371921595, ClinGen allele CA4219471.
Genomic context (GRCh38, chr7:36,407,836, plus strand): 5'-GCTAAAAGTTGTGAGGGACAAAATCCTGAGCTACTTCCAAAAACTCCTATTAGTCCTCTG[A>G]AAACGGGGGTATCGAAACCAATTGTGAAGTCAACTTTATCCCAGACAGTTCCATCCAAGG-3'
Protein context (NP_061155.2, residues 316-336): LLPKTPISPL[Lys326Glu]TGVSKPIVKS

ClinVar aggregate classification (germline): Uncertain significance (1 of 4 stars; one submission).

Allele frequency attached by ClinVar (database versions not stated): TOPMed below 0.00001; gnomAD 0.00001; gnomAD exomes 0.00001; ExAC 0.00002; ESP Exome Variant Server 0.00008.
gnomAD v4.1: 1 of 1,613,808 alleles (0.000062%); highest among the groups gnomAD compares: African/African-American, 0.0013%; no homozygotes.

Submission:

Labcorp Genetics (formerly Invitae), Labcorp
Classification: Uncertain significance. Last evaluated: 2023-10-13. Review status: criteria provided, single submitter. Criteria: Invitae Variant Classification Sherloc (09022015). Collection method: clinical testing. Allele origin: germline.
Comment: This sequence change replaces lysine, which is basic and polar, with glutamic acid, which is acidic and polar, at codon 326 of the ANLN protein (p.Lys326Glu). This variant is present in population databases (rs371921595, gnomAD 0.01%). This variant has not been reported in the literature in individuals affected with ANLN-related conditions. ClinVar contains an entry for this variant (Variation ID: 1480543). Advanced modeling of protein sequence and biophysical properties (such as structural, functional, and spatial information, amino acid conservation, physicochemical variation, residue mobility, and thermodynamic stability) performed at Invitae indicates that this missense variant is not expected to disrupt ANLN protein function. In summary, the available evidence is currently insufficient to determine the role of this variant in disease. Therefore, it has been classified as a Variant of Uncertain Significance.